The following is an entry in ClinVar:

ClinVar aggregate classification (germline): Likely benign. Review status: criteria provided, multiple submitters, no conflicts (2 of 4 stars). 2 submissions from 2 submitters: Likely benign (2). Last evaluated 2026-09-01.

Conditions:
Inborn genetic diseases. Identifiers: MedGen C0950123, MeSH D030342.

Allele frequency attached by ClinVar (database versions not stated): ExAC 0.00001; gnomAD 0.00002; 1000 Genomes Project 0.00026; 1000 Genomes Project 30x 0.00042.
gnomAD v4.1: 7 of 1,180,374 alleles (0.00059%); highest among the groups gnomAD compares: Admixed American, 0.015%; no homozygotes.

Submissions (2):

CeGaT Center for Human Genetics Tuebingen
Classification: Likely benign. Last evaluated: 2026-09-01. Review status: criteria provided, single submitter. Criteria: CeGaT Center For Human Genetics Tuebingen Variant Classification Criteria Version 2. Collection method: clinical testing. Allele origin: germline. Affected: yes. Observed: 1 variant allele.
Comment: ACSL4: BP4, BP7, BS2

Ambry Genetics
Classification: Likely benign for Inborn genetic diseases. Last evaluated: 2019-06-07. Review status: criteria provided, single submitter. Criteria: Ambry Variant Classification Scheme 2023. Collection method: clinical testing. Allele origin: germline.

NM_001318510.2(ACSL4):c.1074G>T (p.Leu358=)

Gene: ACSL4 (acyl-CoA synthetase long chain family member 4; minus strand). Cytogenetic location: Xq23.
Variant type: single nucleotide variant.
Coding change: c.1074G>T on transcript NM_001318510.2 (MANE Select); coding-DNA position 1074, G replaced by T.
Protein change: p.Leu358=; no amino-acid change (leucine 358 retained).
Molecular consequence: synonymous variant.
Genome position (GRCh38, 1-based): chrX:109,669,102, C>A on the plus strand (G>T on the coding strand, the complement: ACSL4 is on the minus strand). VCF-style: chrX-109669102-C-A. GRCh37 (hg19) VCF-style: chrX-108912331-C-A.
Other names: c.1197G>T, p.Leu399= (NM_001318509.2, NM_022977.3); c.1074G>T, p.Leu358= (NM_004458.3).
Identifiers: ClinVar variation 1784509 (VCV001784509.3), dbSNP rs189693653, ClinGen allele CA10491064.
Genomic context (GRCh38, chrX:109,669,102, plus strand): 5'-AAGAGGTGCATCATATCCCTTTTTGATCTGTTCCAATTTGTAATCATACCCTATCTTGAA[C>A]AGAGTTTTCTGAATATAATTCATCTCTTGGACTTTGCTCATAACATTCTTATAAATTCTA-3'
Protein context (NP_001305439.1, residues 348-368): VQEMNYIQKT[Leu358=]FKIGYDYKLE